The following is an entry in ClinVar:

NM_005228.5(EGFR):c.2188C>A (p.Leu730Ile)

Gene: EGFR (epidermal growth factor receptor; plus strand). Cytogenetic location: 7p11.2.
Variant type: single nucleotide variant.
Coding change: c.2188C>A on transcript NM_005228.5 (MANE Select); coding-DNA position 2188, C replaced by A.
Protein change: p.Leu730Ile; replaces leucine 730 with isoleucine.
Molecular consequence: missense variant.
Genome position (GRCh38, 1-based): chr7:55,174,725, C>A. VCF-style: chr7-55174725-C-A. GRCh37 (hg19) VCF-style: chr7-55242418-C-A.
Other names: c.2053C>A, p.Leu685Ile (NM_001346897.2, NM_001346899.2); c.2188C>A, p.Leu730Ile (NM_001346898.2); c.2029C>A, p.Leu677Ile (NM_001346900.2); c.1387C>A, p.Leu463Ile (NM_001346941.2); short protein forms L463I, L730I, L677I, L685I.
Identifiers: ClinVar variation 3638046 (VCV003638046.2).

ClinVar aggregate classification (germline): Uncertain significance (1 of 4 stars; one submission).

Conditions:
EGFR-related lung cancer (EGFR). Identifiers: MedGen CN130014.

Submission:

Labcorp Genetics (formerly Invitae), Labcorp
Classification: Uncertain significance for EGFR-related lung cancer. Last evaluated: 2024-02-01. Review status: criteria provided, single submitter. Criteria: Invitae Variant Classification Sherloc (09022015). Collection method: clinical testing. Allele origin: germline.
Comment: This sequence change replaces leucine, which is neutral and non-polar, with isoleucine, which is neutral and non-polar, at codon 730 of the EGFR protein (p.Leu730Ile). This variant is not present in population databases (gnomAD no frequency). This variant has not been reported in the literature in individuals affected with EGFR-related conditions. An algorithm developed to predict the effect of missense changes on protein structure and function (PolyPhen-2) suggests that this variant is likely to be disruptive. In summary, the available evidence is currently insufficient to determine the role of this variant in disease. Therefore, it has been classified as a Variant of Uncertain Significance.